The following is an entry in ClinVar:

ClinVar aggregate classification (germline): Uncertain significance. Review status: criteria provided, multiple submitters, no conflicts (2 of 4 stars). 2 submissions from 2 submitters: Uncertain significance (2). Last evaluated 2025-08-13.

Conditions:
Hereditary cancer-predisposing syndrome. Also called: Neoplastic Syndromes, Hereditary; Tumor predisposition; Hereditary neoplastic syndrome; Hereditary Cancer Syndrome. Identifiers: Orphanet 140162, MedGen C0027672, MeSH D009386, MONDO:0015356.
Cardiovascular phenotype. Identifiers: MedGen CN230736.
Neurofibromatosis, type 1 (NF1). Also called: NEUROFIBROMATOSIS, TYPE I, SOMATIC; Peripheral type neurofibromatosis; VON RECKLINGHAUSEN DISEASE; Neurofibromatosis, type I. Identifiers: Orphanet 636, MedGen C0027831, MONDO:0018975, OMIM 162200. Disease mechanism: loss of function.

Allele frequency attached by ClinVar (database versions not stated): TOPMed below 0.00001.

Submissions (2):

Labcorp Genetics (formerly Invitae), Labcorp
Classification: Uncertain significance for Neurofibromatosis, type 1. Last evaluated: 2025-08-13. Review status: criteria provided, single submitter. Criteria: Invitae Variant Classification Sherloc (09022015). Collection method: clinical testing. Allele origin: germline.
Comment: This sequence change replaces methionine, which is neutral and non-polar, with threonine, which is neutral and polar, at codon 902 of the NF1 protein (p.Met902Thr). This variant is not present in population databases (gnomAD no frequency). This variant has not been reported in the literature in individuals affected with NF1-related conditions. ClinVar contains an entry for this variant (Variation ID: 1794975). Invitae Evidence Modeling of protein sequence and biophysical properties (such as structural, functional, and spatial information, amino acid conservation, physicochemical variation, residue mobility, and thermodynamic stability) has been performed for this missense variant. However, the output from this modeling did not meet the statistical confidence thresholds required to predict the impact of this variant on NF1 protein function. In summary, the available evidence is currently insufficient to determine the role of this variant in disease. Therefore, it has been classified as a Variant of Uncertain Significance.

Ambry Genetics
Classification: Uncertain significance for Cardiovascular phenotype; Hereditary cancer-predisposing syndrome. Last evaluated: 2021-11-02. Review status: criteria provided, single submitter. Criteria: Ambry Variant Classification Scheme 2023. Collection method: clinical testing. Allele origin: germline.
Comment: The p.M902T variant (also known as c.2705T>C), located in coding exon 21 of the NF1 gene, results from a T to C substitution at nucleotide position 2705. The methionine at codon 902 is replaced by threonine, an amino acid with similar properties. In addition, the in silico prediction for this alteration is inconclusive. Since supporting evidence is limited at this time, the clinical significance of this alteration remains unclear.

NM_001042492.3(NF1):c.2705T>C (p.Met902Thr)

Gene: NF1 (neurofibromin 1; plus strand). Cytogenetic location: 17q11.2.
Variant type: single nucleotide variant.
Coding change: c.2705T>C on transcript NM_001042492.3 (MANE Select); coding-DNA position 2705, T replaced by C.
Protein change: p.Met902Thr; replaces methionine 902 with threonine.
Molecular consequence: missense variant.
Genome position (GRCh38, 1-based): chr17:31,229,320, T>C. VCF-style: chr17-31229320-T-C. GRCh37 (hg19) VCF-style: chr17-29556338-T-C.
Other names: c.2705T>C, p.Met902Thr (NM_000267.4); short protein forms M902T.
Identifiers: ClinVar variation 1794975 (VCV001794975.3), dbSNP rs1353007349, ClinGen allele CA398985054.